The following is an entry in ClinVar:

ClinVar aggregate classification (germline): Uncertain significance (1 of 4 stars; one submission).

Conditions:
Familial thoracic aortic aneurysm and aortic dissection (TAAD). Also called: Thoracic aortic aneurysms and dissections. Identifiers: Orphanet 91387, MedGen C4707243, MONDO:0019625.

Submission:

Labcorp Genetics (formerly Invitae), Labcorp
Classification: Uncertain significance for Familial thoracic aortic aneurysm and aortic dissection. Last evaluated: 2023-01-19. Review status: criteria provided, single submitter. Criteria: Invitae Variant Classification Sherloc (09022015). Collection method: clinical testing. Allele origin: germline.
Comment: This sequence change replaces serine, which is neutral and polar, with cysteine, which is neutral and slightly polar, at codon 37 of the SMAD3 protein (p.Ser37Cys). This variant is not present in population databases (gnomAD no frequency). This variant has not been reported in the literature in individuals affected with SMAD3-related conditions. Advanced modeling of protein sequence and biophysical properties (such as structural, functional, and spatial information, amino acid conservation, physicochemical variation, residue mobility, and thermodynamic stability) performed at Invitae indicates that this missense variant is expected to disrupt SMAD3 protein function. In summary, the available evidence is currently insufficient to determine the role of this variant in disease. Therefore, it has been classified as a Variant of Uncertain Significance.

NM_005902.4(SMAD3):c.109A>T (p.Ser37Cys)

Gene: SMAD3 (SMAD family member 3; plus strand). Cytogenetic location: 15q22.33.
Variant type: single nucleotide variant.
Coding change: c.109A>T on transcript NM_005902.4 (MANE Select); coding-DNA position 109, A replaced by T.
Protein change: p.Ser37Cys; replaces serine 37 with cysteine.
Molecular consequence: missense variant.
Genome position (GRCh38, 1-based): chr15:67,066,263, A>T. VCF-style: chr15-67066263-A-T. GRCh37 (hg19) VCF-style: chr15-67358601-A-T.
Other names: c.109A>T, p.Ser37Cys (NM_001407011.1, NM_001407012.1, NM_001407013.1); short protein forms S37C.
Identifiers: ClinVar variation 2830082 (VCV002830082.3), dbSNP rs2504999993, ClinGen allele CA393202909.